The following is an entry in ClinVar:

ClinVar aggregate classification (germline): Benign/Likely benign. Review status: criteria provided, multiple submitters, no conflicts (2 of 4 stars). 3 submissions from 3 submitters: Benign (2); Likely benign (1). Last evaluated 2026-02-01.

Allele frequency attached by ClinVar (database versions not stated): ESP Exome Variant Server 0.00140; 1000 Genomes Project 30x 0.00141; gnomAD 0.00172 and 0.00186; 1000 Genomes Project 0.00180; TOPMed 0.00195.
gnomAD v4.1: 518 of 1,613,690 alleles (0.032%); highest among the groups gnomAD compares: African/African-American, 0.6%; 3 homozygotes.

Submissions (3):

CeGaT Center for Human Genetics Tuebingen
Classification: Likely benign. Last evaluated: 2026-02-01. Review status: criteria provided, single submitter. Criteria: CeGaT Center For Human Genetics Tuebingen Variant Classification Criteria Version 2. Collection method: clinical testing. Allele origin: germline. Affected: yes. Observed: 1 variant allele.
Comment: ASXL2: BP4, BS1

Labcorp Genetics (formerly Invitae), Labcorp
Classification: Benign. Last evaluated: 2026-01-19. Review status: criteria provided, single submitter. Criteria: Invitae Variant Classification Sherloc (09022015). Collection method: clinical testing. Allele origin: germline.

Genetic Services Laboratory, University of Chicago
Classification: Benign. Last evaluated: 2018-10-23. Review status: criteria provided, single submitter. Criteria: ACMG Guidelines, 2015. Collection method: clinical testing. Allele origin: germline. Affected: no.

NM_018263.6(ASXL2):c.3102G>T (p.Arg1034Ser)

Gene: ASXL2 (ASXL transcriptional regulator 2; minus strand). Cytogenetic location: 2p23.3.
Variant type: single nucleotide variant.
Coding change: c.3102G>T on transcript NM_018263.6 (MANE Select); coding-DNA position 3102, G replaced by T.
Protein change: p.Arg1034Ser; replaces arginine 1034 with serine.
Molecular consequence: missense variant.
Genome position (GRCh38, 1-based): chr2:25,743,235, C>A on the plus strand (G>T on the coding strand, the complement: ASXL2 is on the minus strand). VCF-style: chr2-25743235-C-A. GRCh37 (hg19) VCF-style: chr2-25966104-C-A.
Other names: c.2928G>T, p.Arg976Ser (NM_001369346.1); c.2322G>T, p.Arg774Ser (NM_001369347.1); short protein forms R1034S, R774S, R976S.
Identifiers: ClinVar variation 734878 (VCV000734878.17), dbSNP rs144699852, ClinGen allele CA1557530.
Genomic context (GRCh38, chr2:25,743,235, plus strand): 5'-GTATTGGTGTGTGTCAATGCTGGAGTCCCTCAGCTCCTTAGCTGAAAAGAGCTGAAGGGG[C>A]CTTGGAACCTGGGGGAGCTGCTTACTTTGCAAGGTTTTGCCCAGCTGCTGCTGCGTAGCT-3'
Protein context (NP_060733.4, residues 1024-1044): LQSKQLPQVP[Arg1034Ser]PLQLFSAKEL